The following is an entry in ClinVar:

NM_001378454.1(ALMS1):c.5464C>T (p.His1822Tyr)

Gene: ALMS1 (ALMS1 centrosome and basal body associated protein; plus strand). Cytogenetic location: 2p13.1.
Variant type: single nucleotide variant.
Coding change: c.5464C>T on transcript NM_001378454.1 (MANE Select); coding-DNA position 5464, C replaced by T.
Protein change: p.His1822Tyr; replaces histidine 1822 with tyrosine.
Molecular consequence: missense variant.
Genome position (GRCh38, 1-based): chr2:73,451,991, C>T. VCF-style: chr2-73451991-C-T. GRCh37 (hg19) VCF-style: chr2-73679118-C-T.
Other names: c.5467C>T, p.His1823Tyr (NM_015120.4); short protein forms H1822Y, H1823Y.
Identifiers: ClinVar variation 1966352 (VCV001966352.7), dbSNP rs1233484707, ClinGen allele CA347282223.

ClinVar aggregate classification (germline): Conflicting classifications of pathogenicity. Review status: criteria provided, conflicting classifications (1 of 4 stars). 2 submissions from 2 submitters: Uncertain significance (1); Likely benign (1). Last evaluated 2025-08-07.

Conditions:
Cardiovascular phenotype. Identifiers: MedGen CN230736.
Alstrom syndrome (ALMS). Identifiers: Orphanet 64, MedGen C0268425, MONDO:0008763, OMIM 203800.

Allele frequency attached by ClinVar (database versions not stated): gnomAD exomes below 0.00001.
gnomAD v4.1: 1 of 1,613,538 alleles (0.000062%); highest among the groups gnomAD compares: Non-Finnish European, 0.000085%; no homozygotes.

Submissions (2):

Ambry Genetics
Classification: Likely benign for Cardiovascular phenotype. Last evaluated: 2025-08-07. Review status: criteria provided, single submitter. Criteria: Ambry Variant Classification Scheme 2023. Collection method: clinical testing. Allele origin: germline.

Labcorp Genetics (formerly Invitae), Labcorp
Classification: Uncertain significance for Alstrom syndrome. Last evaluated: 2022-01-28. Review status: criteria provided, single submitter. Criteria: Invitae Variant Classification Sherloc (09022015). Collection method: clinical testing. Allele origin: germline.
Comment: Experimental studies and prediction algorithms are not available or were not evaluated, and the functional significance of this variant is currently unknown. This variant has not been reported in the literature in individuals affected with ALMS1-related conditions. This variant is present in population databases (no rsID available, gnomAD 0.0009%). This sequence change replaces histidine, which is basic and polar, with tyrosine, which is neutral and polar, at codon 1823 of the ALMS1 protein (p.His1823Tyr). In summary, the available evidence is currently insufficient to determine the role of this variant in disease. Therefore, it has been classified as a Variant of Uncertain Significance.